The following is an entry in ClinVar:

ClinVar aggregate classification (germline): Uncertain significance (1 of 4 stars; one submission).

Allele frequency attached by ClinVar (database versions not stated): gnomAD exomes 0.00001 and 0.00002; TOPMed 0.00001; ExAC 0.00002.

Submission:

Labcorp Genetics (formerly Invitae), Labcorp
Classification: Uncertain significance. Last evaluated: 2024-07-01. Review status: criteria provided, single submitter. Criteria: Invitae Variant Classification Sherloc (09022015). Collection method: clinical testing. Allele origin: germline.
Comment: This sequence change replaces histidine, which is basic and polar, with glutamine, which is neutral and polar, at codon 223 of the BEST1 protein (p.His223Gln). This variant is present in population databases (rs200162075, gnomAD 0.003%). This variant has not been reported in the literature in individuals affected with BEST1-related conditions. ClinVar contains an entry for this variant (Variation ID: 940963). Algorithms developed to predict the effect of missense changes on protein structure and function output the following: SIFT: "Not Available"; PolyPhen-2: "Benign"; Align-GVGD: "Not Available". The glutamine amino acid residue is found in multiple mammalian species, which suggests that this missense change does not adversely affect protein function. In summary, the available evidence is currently insufficient to determine the role of this variant in disease. Therefore, it has been classified as a Variant of Uncertain Significance.

NM_004183.4(BEST1):c.669C>A (p.His223Gln)

Gene: BEST1 (bestrophin 1; plus strand). Cytogenetic location: 11q12.3.
Variant type: single nucleotide variant.
Coding change: c.669C>A on transcript NM_004183.4 (MANE Select); coding-DNA position 669, C replaced by A.
Protein change: p.His223Gln; replaces histidine 223 with glutamine.
Molecular consequence: missense variant. On other transcripts: non-coding transcript variant (1).
Genome position (GRCh38, 1-based): chr11:61,957,419, C>A. VCF-style: chr11-61957419-C-A. GRCh37 (hg19) VCF-style: chr11-61724891-C-A.
Other names: c.489C>A, p.His163Gln (NM_001139443.3, NM_001300786.2, NM_001300787.2); c.351C>A, p.His117Gln (NM_001363591.3); c.669C>A, p.His223Gln (NM_001363592.2); c.-507C>A (NM_001363593.3); short protein forms H223Q, H117Q, H163Q.
Identifiers: ClinVar variation 940963 (VCV000940963.9), dbSNP rs200162075, ClinGen allele CA6040816.
Genomic context (GRCh38, chr11:61,957,419, plus strand): 5'-AACCCCATCCCCCTCTTCTGCCCCCCAGGAGATGAACACCTTGCGTACTCAGTGTGGACA[C>A]CTGTATGCCTACGACTGGATTAGTATCCCACTGGTGTATACACAGGTGAGGACTAGGCTG-3'
Protein context (NP_004174.1, residues 213-233): EMNTLRTQCG[His223Gln]LYAYDWISIP